The following is an entry in ClinVar:

NM_003242.6(TGFBR2):c.1561T>C (p.Trp521Arg)

Gene: TGFBR2 (transforming growth factor beta receptor 2; plus strand). Cytogenetic location: 3p24.1.
Variant type: single nucleotide variant.
Coding change: c.1561T>C on transcript NM_003242.6 (MANE Select); coding-DNA position 1561, T replaced by C.
Protein change: p.Trp521Arg; replaces tryptophan 521 with arginine.
Molecular consequence: missense variant.
Genome position (GRCh38, 1-based): chr3:30,691,456, T>C. VCF-style: chr3-30691456-T-C. GRCh37 (hg19) VCF-style: chr3-30732948-T-C.
Other names: c.1564T>C, p.Trp522Arg (NM_001407129.1); c.1558T>C, p.Trp520Arg (NM_001407130.1); c.1456T>C, p.Trp486Arg (NM_001407132.1, NM_001407133.1, NM_001407134.1 and 2 more transcripts); c.1276T>C, p.Trp426Arg (NM_001407137.1); c.1201T>C, p.Trp401Arg (NM_001407138.1); c.691T>C, p.Trp231Arg (NM_001407139.1); c.1636T>C, p.Trp546Arg (NM_001024847.3); c.1744T>C, p.Trp582Arg (NM_001407126.1); and 2 more; short protein forms W521R, W546R, W231R, W486R, W401R, W520R, W522R, W530R.
Identifiers: ClinVar variation 811253 (VCV000811253.14), dbSNP rs1575166666, ClinGen allele CA351809559.

ClinVar aggregate classification (germline): Pathogenic/Likely pathogenic. Review status: criteria provided, multiple submitters, no conflicts (2 of 4 stars). 4 submissions from 4 submitters: Pathogenic (3); Likely pathogenic (1). Last evaluated 2025-05-21.

Conditions:
Familial thoracic aortic aneurysm and aortic dissection (TAAD). Also called: Thoracic aortic aneurysms and dissections. Identifiers: Orphanet 91387, MedGen C4707243, MONDO:0019625.
Malignant tumor of esophagus. Also called: Esophageal cancer; Esophageal cancer, somatic. Identifiers: Orphanet 99977, MedGen C0546837, MONDO:0007576, OMIM 133239.

Submissions (4):

Dasa
Classification: Pathogenic. Last evaluated: 2025-05-21. Review status: criteria provided, single submitter. Criteria: DASA Assertion Criteria. Collection method: clinical testing. Allele origin: germline.
Comment: NM_003242.6(TGFBR2):c.1561T>C (p.Trp521Arg) is a missense variant that results in the substitution of tryptophan with arginine. De novo occurrence has been reported in an individual with related phenotype. Functional evidence supports a deleterious effect on the gene or gene product (PMID: 20358619; PMID: 16791849; PMID: 31071172). This variant has been recurrently observed in individuals with related phenotype (PMID: 20358619; PMID: 16791849; PMID: 31071172). Multiple computational predictions support a deleterious effect on the gene or gene product. The variant is present at low frequency in population datasets. Based on the available data, this variant is classified as pathogenic.

Mendelics
Classification: Pathogenic for Malignant tumor of esophagus. Last evaluated: 2022-05-04. Review status: criteria provided, single submitter. Criteria: Mendelics Assertion Criteria 2019. Collection method: clinical testing. Allele origin: germline.

Labcorp Genetics (formerly Invitae), Labcorp
Classification: Pathogenic for Familial thoracic aortic aneurysm and aortic dissection. Last evaluated: 2022-04-01. Review status: criteria provided, single submitter. Criteria: Invitae Variant Classification Sherloc (09022015). Collection method: clinical testing. Allele origin: germline.
Comment: This sequence change replaces tryptophan, which is neutral and slightly polar, with arginine, which is basic and polar, at codon 521 of the TGFBR2 protein (p.Trp521Arg). This variant is not present in population databases (gnomAD no frequency). This missense change has been observed in individual(s) with TGFBR2-related conditions (PMID: 16791849, 20358619). In at least one individual the variant was observed to be de novo. ClinVar contains an entry for this variant (Variation ID: 811253). Advanced modeling of protein sequence and biophysical properties (such as structural, functional, and spatial information, amino acid conservation, physicochemical variation, residue mobility, and thermodynamic stability) performed at Invitae indicates that this missense variant is expected to disrupt TGFBR2 protein function. For these reasons, this variant has been classified as Pathogenic.

ARUP Laboratories, Molecular Genetics and Genomics, ARUP Laboratories
Classification: Likely pathogenic. Last evaluated: 2019-01-16. Review status: criteria provided, single submitter. Criteria: ARUP Molecular Germline Variant Investigation Process. Collection method: clinical testing. Allele origin: germline.
Comment: The TGFBR2 c.1561T>C; p.Trp521Arg variant is reported in the literature in several individuals with symptoms of Marfan syndrome (Kirmani 2010, Matyas 2006). In at least one affected individual, this variant was not detected in either parent, suggesting a de novo origin (Kirmani 2010). This variant is absent from general population databases (Exome Variant Server, Genome Aggregation Database), indicating it is not a common polymorphism. The tryptophan at codon 521 is highly conserved, and computational analyses (SIFT, PolyPhen-2) predict that this variant is deleterious. Additionally, this variant occurs in a functionally important serine/threonine kinase domain, and a number of nearby pathogenic missense variants have been reported in individuals with Loeys-Dietz syndrome, which exhibits phenotypic overlap with Marfan syndrome (Loeys 2006). Based on available information, the p.Trp521Arg variant is considered to be likely pathogenic. References: Kirmani S et al. Germline TGF-beta receptor mutations and skeletal fragility: a report on two patients with Loeys-Dietz syndrome. Am J Med Genet A. 2010 Apr;152A(4):1016-9. Loeys BL et al. Aneurysm syndromes caused by mutations in the TGF-beta receptor. N Engl J Med. 2006 Aug 24;355(8):788-98. Matyas G et al. Identification and in silico analyses of novel TGFBR1 and TGFBR2 mutations in Marfan syndrome-related disorders. Hum Mutat. 2006 Aug;27(8):760-9.

Literature cited by the submitters: PubMed 20358619 (cited by Dasa and Labcorp Genetics (formerly Invitae), Labcorp); PubMed 16791849 (cited by Dasa and Labcorp Genetics (formerly Invitae), Labcorp); PubMed 31071172 (cited by Dasa).